The following is an entry in ClinVar:

NM_003051.4(SLC16A1):c.979C>T (p.Pro327Ser)

Gene: SLC16A1 (solute carrier family 16 member 1; minus strand). Cytogenetic location: 1p13.2.
Variant type: single nucleotide variant.
Coding change: c.979C>T on transcript NM_003051.4 (MANE Select); coding-DNA position 979, C replaced by T.
Protein change: p.Pro327Ser; replaces proline 327 with serine.
Molecular consequence: missense variant.
Genome position (GRCh38, 1-based): chr1:112,917,427, G>A on the plus strand (C>T on the coding strand, the complement: SLC16A1 is on the minus strand). VCF-style: chr1-112917427-G-A. GRCh37 (hg19) VCF-style: chr1-113460049-G-A.
Other names: c.979C>T, p.Pro327Ser (NM_001166496.2); short protein forms P327S.
Identifiers: ClinVar variation 291861 (VCV000291861.13), dbSNP rs77373295, ClinGen allele CA1011353.

ClinVar aggregate classification (germline): Uncertain significance. Review status: criteria provided, multiple submitters, no conflicts (2 of 4 stars). 5 submissions from 5 submitters: Uncertain significance (5). Last evaluated 2026-09-24.

Conditions:
Exercise-induced hyperinsulinism (HHF7). Identifiers: Orphanet 165991, MedGen C1864902, MONDO:0012396, OMIM 610021.
SLC16A1-related disorder. Also called: SLC16A1-related condition; SLC16A1-related disorders.
Inborn genetic diseases. Identifiers: MedGen C0950123, MeSH D030342.

Allele frequency attached by ClinVar (database versions not stated): gnomAD exomes 0.00003 and 0.00007; ExAC 0.00011; gnomAD 0.00026 and 0.00029; 1000 Genomes Project 30x 0.00031; TOPMed 0.00033; 1000 Genomes Project 0.00040; ESP Exome Variant Server 0.00046.
gnomAD v4.1: 77 of 1,614,200 alleles (0.0048%); highest among the groups gnomAD compares: African/African-American, 0.093%; no homozygotes.

Submissions (5):

PreventionGenetics, part of Exact Sciences
Classification: Uncertain significance for SLC16A1-related condition. Last evaluated: 2026-09-24. Review status: criteria provided, single submitter. Criteria: ACMG Guidelines, 2015. Collection method: clinical testing. Allele origin: germline.
Comment: The SLC16A1 c.979C>T variant is predicted to result in the amino acid substitution p.Pro327Ser. To our knowledge, this variant has not been reported in the literature. This variant is reported in 0.12% of alleles in individuals of African descent in gnomAD, which may be too common to be an unreported cause of disease. Although we suspect that this variant may be benign, at this time, the clinical significance of this variant is uncertain due to the absence of conclusive functional and genetic evidence.

Labcorp Genetics (formerly Invitae), Labcorp
Classification: Uncertain significance. Last evaluated: 2026-01-20. Review status: criteria provided, single submitter. Criteria: Invitae Variant Classification Sherloc (09022015). Collection method: clinical testing. Allele origin: germline.
Comment: This sequence change replaces proline, which is neutral and non-polar, with serine, which is neutral and polar, at codon 327 of the SLC16A1 protein (p.Pro327Ser). This variant is present in population databases (rs77373295, gnomAD 0.1%). This variant has not been reported in the literature in individuals affected with SLC16A1-related conditions. ClinVar contains an entry for this variant (Variation ID: 291861). An algorithm developed to predict the effect of missense changes on protein structure and function (PolyPhen-2) suggests that this variant is likely to be disruptive. In summary, the available evidence is currently insufficient to determine the role of this variant in disease. Therefore, it has been classified as a Variant of Uncertain Significance.

Ambry Genetics
Classification: Uncertain significance for Inborn genetic diseases. Last evaluated: 2023-04-08. Review status: criteria provided, single submitter. Criteria: Ambry Variant Classification Scheme 2023. Collection method: clinical testing. Allele origin: germline.

Mendelics
Classification: Uncertain significance for Exercise-induced hyperinsulinism. Last evaluated: 2019-05-28. Review status: criteria provided, single submitter. Criteria: Mendelics Assertion Criteria 2017. Collection method: clinical testing. Allele origin: unknown.

Illumina Laboratory Services, Illumina
Classification: Uncertain significance for Exercise-induced hyperinsulinism. Last evaluated: 2018-01-13. Review status: criteria provided, single submitter. Criteria: ICSL Variant Classification Criteria 13 December 2019. Collection method: clinical testing. Allele origin: germline.